The following is an entry in ClinVar:

NM_174936.4(PCSK9):c.257C>G (p.Thr86Ser)

Gene: PCSK9 (proprotein convertase subtilisin/kexin type 9; plus strand). Cytogenetic location: 1p32.3.
Variant type: single nucleotide variant.
Coding change: c.257C>G on transcript NM_174936.4 (MANE Select); coding-DNA position 257, C replaced by G.
Protein change: p.Thr86Ser; replaces threonine 86 with serine.
Molecular consequence: missense variant.
Genome position (GRCh38, 1-based): chr1:55,043,892, C>G. VCF-style: chr1-55043892-C-G. GRCh37 (hg19) VCF-style: chr1-55509565-C-G.
Other names: c.380C>G, p.Thr127Ser (NM_001407240.1); c.257C>G, p.Thr86Ser (NM_001407241.1, NM_001407242.1, NM_001407243.1 and 2 more transcripts); c.-119C>G (NM_001407246.1); short protein forms T127S, T86S.
Identifiers: ClinVar variation 1793351 (VCV001793351.2), dbSNP rs2523183072, ClinGen allele CA340483613.
Genomic context (GRCh38, chr1:55,043,892, plus strand): 5'-CATGGGGCCAGGATCCGTGGAGGTTGCCTGGCACCTACGTGGTGGTGCTGAAGGAGGAGA[C>G]CCACCTCTCGCAGTCAGAGCGCACTGCCCGCCGCCTGCAGGCCCAGGCTGCCCGCCGGGG-3'
Protein context (NP_777596.2, residues 76-96): GTYVVVLKEE[Thr86Ser]HLSQSERTAR

ClinVar aggregate classification (germline): Uncertain significance (1 of 4 stars; one submission).

Conditions:
Cardiovascular phenotype. Identifiers: MedGen CN230736.

Submission:

Ambry Genetics
Classification: Uncertain significance for Cardiovascular phenotype. Last evaluated: 2022-05-24. Review status: criteria provided, single submitter. Criteria: Ambry Variant Classification Scheme 2023. Collection method: clinical testing. Allele origin: germline.
Comment: The p.T86S variant (also known as c.257C>G), located in coding exon 2 of the PCSK9 gene, results from a C to G substitution at nucleotide position 257. The threonine at codon 86 is replaced by serine, an amino acid with similar properties. This amino acid position is conserved. In addition, this alteration is predicted to be tolerated by in silico analysis. Since supporting evidence is limited at this time, the clinical significance of this alteration remains unclear.